The following is an entry in ClinVar:

ClinVar aggregate classification (germline): Uncertain significance. Review status: criteria provided, multiple submitters, no conflicts (2 of 4 stars). 2 submissions from 2 submitters: Uncertain significance (2). Last evaluated 2026-01-13.

Conditions:
Hereditary cancer-predisposing syndrome. Also called: Hereditary neoplastic syndrome; Tumor predisposition; Hereditary Cancer Syndrome; Neoplastic Syndromes, Hereditary. Identifiers: Orphanet 140162, MedGen C0027672, MeSH D009386, MONDO:0015356.
POLD1-related polyposis and colorectal cancer syndrome (CRCS10). Also called: Colorectal cancer, susceptibility to, 10; Colorectal cancer 10; COLORECTAL CANCER, SUSCEPTIBILITY TO, ON CHROMOSOME 19q. Identifiers: Orphanet 220460, MedGen C2675481, MONDO:0012953, OMIM 612591.

Submissions (2):

Ambry Genetics
Classification: Uncertain significance for Hereditary cancer-predisposing syndrome. Last evaluated: 2026-01-13. Review status: criteria provided, single submitter. Criteria: Ambry Variant Classification Scheme 2023. Collection method: clinical testing. Allele origin: germline.
Comment: The c.1408_1422dup15 variant (also known as p.R470_L474dup), located in coding exon 11 of the POLD1 gene, results from an in-frame duplication of 15 nucleotides at nucleotide positions 1408 to 1422. This results in the duplication of 5 extra residues (RSYTL) between codons 470 and 474. This amino acid region is highly conserved in available vertebrate species. In addition, this variant is predicted to be deleterious by in silico analysis (Choi Y et al. PLoS ONE. 2012; 7(10):e46688). Based on the available evidence, the clinical significance of this variant remains unclear.

Labcorp Genetics (formerly Invitae), Labcorp
Classification: Uncertain significance for POLD1-related polyposis and colorectal cancer syndrome. Last evaluated: 2018-08-12. Review status: criteria provided, single submitter. Criteria: Invitae Variant Classification Sherloc (09022015). Collection method: clinical testing. Allele origin: germline.
Comment: In summary, the available evidence is currently insufficient to determine the role of this variant in disease. Therefore, it has been classified as a Variant of Uncertain Significance. Experimental studies and prediction algorithms are not available for this variant, and the functional significance of the duplicated amino acids is currently unknown. This variant has not been reported in the literature in individuals with POLD1-related disease. This variant is not present in population databases (ExAC no frequency). This variant, c.1408_1422dupCGCTCCTACACGCTC, results in the insertion of 5 amino acids to the POLD1 protein (p.Arg470_Leu474dup), but otherwise preserves the integrity of the reading frame.

NM_002691.4(POLD1):c.1408_1422dup (p.Arg470_Leu474dup)

Gene: POLD1 (DNA polymerase delta 1, catalytic subunit; plus strand). Cytogenetic location: 19q13.33.
Variant type: Duplication.
Coding change: c.1408_1422dup on transcript NM_002691.4 (MANE Select); coding-DNA positions 1408 to 1422, 15 bases duplicated (CGCTCCTACACGCTC).
Protein change: p.Arg470_Leu474dup.
Molecular consequence: inframe insertion. On other transcripts: non-coding transcript variant (1).
Genome position (GRCh38, 1-based): chr19:50,406,431-50,406,445, CGCTCCTACACGCTC duplicated; duplicating any 15 consecutive bases within chr19:50,406,427-50,406,445 gives the same sequence; the c. name uses the placement nearest the transcript's 3' end. VCF-style (leftmost placement, unchanged base first): chr19-50406426-A-AGCTCCGCTCCTACAC. GRCh37 (hg19) VCF-style: chr19-50909683-A-AGCTCCGCTCCTACAC.
Other names: c.1408_1422dup, p.Arg470_Leu474dup (NM_001256849.1, NM_001308632.1); c.1408_1422dupCGCTCCTACACGCTC (NM_002691.2).
Identifiers: ClinVar variation 641470 (VCV000641470.9), dbSNP rs1601216694, ClinGen allele CA915951937.